The following is an entry in ClinVar:

ClinVar aggregate classification (germline): Uncertain significance. Review status: criteria provided, multiple submitters, no conflicts (2 of 4 stars). 2 submissions from 2 submitters: Uncertain significance (2). Last evaluated 2024-01-08.

Conditions:
Ehlers-Danlos syndrome, kyphoscoliotic type 1 (EDSKSCL1). Also called: PLOD1-Related Kyphoscoliotic Ehlers-Danlos Syndrome; EHLERS-DANLOS SYNDROME, TYPE VIA; EHLERS-DANLOS SYNDROME, OCULAR-SCOLIOTIC TYPE; Ehlers-Danlos syndrome, hydroxylysine-deficient. Identifiers: Orphanet 1900, MedGen C0268342, MONDO:0016002, OMIM 225400. Disease mechanism: loss of function.

Allele frequency attached by ClinVar (database versions not stated): gnomAD 0.00001; gnomAD exomes 0.00001; ExAC 0.00002.
gnomAD v4.1: 19 of 1,611,902 alleles (0.0012%); highest among the groups gnomAD compares: Middle Eastern, 0.016%; no homozygotes.

Submissions (2):

Labcorp Genetics (formerly Invitae), Labcorp
Classification: Uncertain significance for Ehlers-Danlos syndrome, kyphoscoliotic type 1. Last evaluated: 2024-01-08. Review status: criteria provided, single submitter. Criteria: Invitae Variant Classification Sherloc (09022015). Collection method: clinical testing. Allele origin: germline.
Comment: This sequence change replaces arginine, which is basic and polar, with tryptophan, which is neutral and slightly polar, at codon 610 of the PLOD1 protein (p.Arg610Trp). This variant is present in population databases (rs769499769, gnomAD 0.003%). This variant has not been reported in the literature in individuals affected with PLOD1-related conditions. ClinVar contains an entry for this variant (Variation ID: 647685). Advanced modeling of protein sequence and biophysical properties (such as structural, functional, and spatial information, amino acid conservation, physicochemical variation, residue mobility, and thermodynamic stability) performed at Invitae indicates that this missense variant is not expected to disrupt PLOD1 protein function with a negative predictive value of 80%. In summary, the available evidence is currently insufficient to determine the role of this variant in disease. Therefore, it has been classified as a Variant of Uncertain Significance.

Mayo Clinic Laboratories, Mayo Clinic
Classification: Uncertain significance. Last evaluated: 2020-10-27. Review status: criteria provided, single submitter. Criteria: ACMG Guidelines, 2015. Collection method: clinical testing. Allele origin: germline. Observed: 2 variant alleles.

NM_000302.4(PLOD1):c.1828C>T (p.Arg610Trp)

Gene: PLOD1 (procollagen-lysine,2-oxoglutarate 5-dioxygenase 1; plus strand). Cytogenetic location: 1p36.22.
Variant type: single nucleotide variant.
Coding change: c.1828C>T on transcript NM_000302.4 (MANE Select); coding-DNA position 1828, C replaced by T.
Protein change: p.Arg610Trp; replaces arginine 610 with tryptophan.
Molecular consequence: missense variant.
Genome position (GRCh38, 1-based): chr1:11,970,742, C>T. VCF-style: chr1-11970742-C-T. GRCh37 (hg19) VCF-style: chr1-12030799-C-T.
Other names: c.1969C>T, p.Arg657Trp (NM_001316320.2); short protein forms R610W, R657W.
Identifiers: ClinVar variation 647685 (VCV000647685.13), dbSNP rs769499769, ClinGen allele CA598583.